The following is an entry in ClinVar:

ClinVar aggregate classification (germline): Uncertain significance (1 of 4 stars; one submission).

Conditions:
Rubinstein-Taybi syndrome due to EP300 haploinsufficiency. Also called: RUBINSTEIN-TAYBI SYNDROME 2; EP300-Related Rubinstein-Taybi Syndrome. Identifiers: Orphanet 353284, Orphanet 783, MedGen C3150941, MONDO:0013364, OMIM 613684.

Allele frequency attached by ClinVar (database versions not stated): TOPMed below 0.00001; gnomAD 0.00001; 1000 Genomes Project 30x 0.00016.
gnomAD v4.1: 8 of 1,614,164 alleles (0.0005%); highest among the groups gnomAD compares: South Asian, 0.0033%; no homozygotes.

Submission:

MVZ Medizinische Genetik Mainz
Classification: Uncertain significance for Rubinstein-Taybi syndrome due to EP300 haploinsufficiency. Last evaluated: 2022-08-16. Review status: criteria provided, single submitter. Criteria: UK Practice Guidelines For Variant Classification V4 01 2020. Collection method: clinical testing. Allele origin: germline. Inheritance: Autosomal dominant inheritance. Affected: yes. Observed: 1 variant allele.
Comment: ACMG Criteria: PM1, PM2_SUP, PP3, BS2

NM_001429.4(EP300):c.3935G>A (p.Arg1312Gln)

Gene: EP300 (EP300 lysine acetyltransferase; plus strand). Cytogenetic location: 22q13.2.
Variant type: single nucleotide variant.
Coding change: c.3935G>A on transcript NM_001429.4 (MANE Select); coding-DNA position 3935, G replaced by A.
Protein change: p.Arg1312Gln; replaces arginine 1312 with glutamine.
Molecular consequence: missense variant.
Genome position (GRCh38, 1-based): chr22:41,168,509, G>A. VCF-style: chr22-41168509-G-A. GRCh37 (hg19) VCF-style: chr22-41564513-G-A.
Other names: c.3857G>A, p.Arg1286Gln (NM_001362843.2); short protein forms R1286Q, R1312Q.
Identifiers: ClinVar variation 3236763 (VCV003236763.1), dbSNP rs2059152930.